The following is an entry in ClinVar:

ClinVar aggregate classification (germline): Conflicting classifications of pathogenicity. Review status: criteria provided, conflicting classifications (1 of 4 stars). 5 submissions from 5 submitters: Likely pathogenic (1); Uncertain significance (4). Last evaluated 2026-01-02.

Conditions:
Leukodystrophy. Identifiers: Orphanet 68356, MedGen C0023520, MONDO:0019046, HP:0002415.
POLR3A-related disorder. Also called: POLR3A-related condition; POLR3A-related disorders. Identifiers: MedGen CN378587, MONDO:0700276.

Allele frequency attached by ClinVar (database versions not stated): ExAC 0.00001; gnomAD exomes 0.00001; gnomAD 0.00003; TOPMed 0.00003.

Submissions (5):

PreventionGenetics, part of Exact Sciences
Classification: Uncertain significance for POLR3A-related condition. Last evaluated: 2026-01-02. Review status: criteria provided, single submitter. Criteria: ACMG Guidelines, 2015. Collection method: clinical testing. Allele origin: germline.
Comment: The POLR3A c.2533A>G variant is predicted to result in the amino acid substitution p.Thr845Ala. This variant was reported as de novo in an individual with developmental disorder (Table S1, Kaplanis et al. 2020. PubMed ID: 33057194; Supplementary Data 3, Zhou et al. 2022. PubMed ID: 35982159). This variant is reported in 0.0031% of alleles in individuals of European (Non-Finnish) descent in gnomAD. At this time, the clinical significance of this variant is uncertain due to the absence of conclusive functional and genetic evidence.

Broad Center for Mendelian Genomics, Broad Institute of MIT and Harvard
Classification: Uncertain significance for Leukodystrophy. Last evaluated: 2025-04-30. Review status: criteria provided, single submitter. Criteria: ACMG Guidelines, 2015. Collection method: curation. Allele origin: germline. Inheritance: Autosomal recessive inheritance.
Comment: The p.Thr845Ala variant in POLR3A has not been previously reported in the literature in individuals with with POLR3A-related disorders, but has been identified in 0.004% (3/74908) of African/African American chromosomes by the Genome Aggregation Database (gnomAD; dbSNP ID: rs762851435). Although this variant has been seen in the general population in a heterozygous state, its frequency is low enough to be consistent with a recessive carrier frequency. This variant has also been reported in ClinVar (VCV002076095.3) and has been interpreted as likely pathogenic by GeneDx and as a variant of uncertain significance by Labcorp Genetics. Computational prediction tools and conservation analyses do not provide strong support for or against an impact to the protein. The number of missense variants reported in POLR3A in the general population is lower than expected, suggesting there is little benign variation in this gene and slightly increasing the possibility that a missense variant in this gene may not be tolerated. In summary, the clinical significance of the p.Thr845Ala variant is uncertain. ACMG/AMP Criteria applied: PP2, PM2_supporting (Richards 2015).

Blueprint Genetics
Classification: Uncertain significance. Last evaluated: 2024-08-06. Review status: criteria provided, single submitter. Criteria: ACMG Guidelines, 2015. Collection method: clinical testing. Allele origin: germline.

GeneDx
Classification: Likely pathogenic. Last evaluated: 2023-07-13. Review status: criteria provided, single submitter. Criteria: GeneDx Variant Classification Process June 2021. Collection method: clinical testing. Allele origin: germline. Affected: yes.
Comment: Not observed at significant frequency in large population cohorts (gnomAD); In silico analysis supports that this missense variant has a deleterious effect on protein structure/function; Has not been previously published as pathogenic or benign to our knowledge

Labcorp Genetics (formerly Invitae), Labcorp
Classification: Uncertain significance. Last evaluated: 2023-06-08. Review status: criteria provided, single submitter. Criteria: Invitae Variant Classification Sherloc (09022015). Collection method: clinical testing. Allele origin: germline.
Comment: In summary, the available evidence is currently insufficient to determine the role of this variant in disease. Therefore, it has been classified as a Variant of Uncertain Significance. Advanced modeling of protein sequence and biophysical properties (such as structural, functional, and spatial information, amino acid conservation, physicochemical variation, residue mobility, and thermodynamic stability) performed at Invitae indicates that this missense variant is not expected to disrupt POLR3A protein function. ClinVar contains an entry for this variant (Variation ID: 2076095). This variant has not been reported in the literature in individuals affected with POLR3A-related conditions. This variant is present in population databases (rs762851435, gnomAD 0.003%). This sequence change replaces threonine, which is neutral and polar, with alanine, which is neutral and non-polar, at codon 845 of the POLR3A protein (p.Thr845Ala).

NM_007055.4(POLR3A):c.2533A>G (p.Thr845Ala)

Gene: POLR3A (RNA polymerase III subunit A; minus strand). Cytogenetic location: 10q22.3.
Variant type: single nucleotide variant.
Coding change: c.2533A>G on transcript NM_007055.4 (MANE Select); coding-DNA position 2533, A replaced by G.
Protein change: p.Thr845Ala; replaces threonine 845 with alanine.
Molecular consequence: missense variant.
Genome position (GRCh38, 1-based): chr10:78,000,064, T>C on the plus strand (A>G on the coding strand, the complement: POLR3A is on the minus strand). VCF-style: chr10-78000064-T-C. GRCh37 (hg19) VCF-style: chr10-79759822-T-C.
Other names: NM_007055.4(POLR3A):c.2533A>G; p.Thr845Ala; c.2533A>G (NM_007055.3); short protein forms T845A.
Identifiers: ClinVar variation 2076095 (VCV002076095.6), dbSNP rs762851435, ClinGen allele CA5571097.